The following is an entry in ClinVar:

NM_001130823.3(DNMT1):c.81-3del

Genes: DNMT1 (DNA methyltransferase 1; minus strand), LOC107080555 (origin of replication in DNMT1; plus strand). Cytogenetic location: 19p13.2.
Variant type: Deletion.
Coding change: c.81-3del on transcript NM_001130823.3 (MANE Select); 3 bases into the intron before coding-DNA position 81, one base deleted (C; older notation c.81-3delC).
Molecular consequence: intron variant.
Genome position (GRCh38, 1-based): chr19:10,182,080, G deleted on the plus strand (C on the coding strand, the reverse complement: DNMT1 is on the minus strand); the first of 3 consecutive G bases (chr19:10,182,080-10,182,082); deleting any one gives the same sequence. VCF-style (leftmost placement, unchanged base first): chr19-10182079-TG-T. GRCh37 (hg19) VCF-style: chr19-10292755-TG-T.
Other names: c.81-3delC (NM_001130823.3, NM_001130823.2); c.-243-3del (NM_001318731.2); c.81-3del (NM_001379.4, NM_001318730.2).
Identifiers: ClinVar variation 1652480 (VCV001652480.10), dbSNP rs771970480, ClinGen allele CA9188848.

ClinVar aggregate classification (germline): Benign/Likely benign. Review status: criteria provided, multiple submitters, no conflicts (2 of 4 stars). 3 submissions from 3 submitters: Benign (1); Likely benign (2). Last evaluated 2026-06-14.

Conditions:
DNMT1-related disorder. Also called: DNMT1-related condition. Identifiers: MedGen CN381527.
Hereditary sensory neuropathy-deafness-dementia syndrome. Also called: Hereditary sensory neuropathy type IE; Hereditary Sensory and Autonomic Neuropathy Type 1E (HSAN1E); NEUROPATHY, HEREDITARY SENSORY, WITH HEARING LOSS AND DEMENTIA; HSN IE. Identifiers: Orphanet 456318, MedGen C3279885, MONDO:0013584, OMIM 614116.

Submissions (3):

Women's Health and Genetics/Laboratory Corporation of America, LabCorp
Classification: Benign. Last evaluated: 2026-06-14. Review status: criteria provided, single submitter. Criteria: LabCorp Variant Classification Summary - May 2015. Collection method: clinical testing. Allele origin: germline.

PreventionGenetics, part of Exact Sciences
Classification: Likely benign for DNMT1-related condition. Last evaluated: 2025-11-07. Review status: criteria provided, single submitter. Criteria: ACMG Guidelines, 2015. Collection method: clinical testing. Allele origin: germline.
Comment: This variant is classified as likely benign based on ACMG/AMP sequence variant interpretation guidelines (Richards et al. 2015 PMID: 25741868, with internal and published modifications).

Labcorp Genetics (formerly Invitae), Labcorp
Classification: Likely benign for Hereditary sensory neuropathy-deafness-dementia syndrome. Last evaluated: 2024-10-28. Review status: criteria provided, single submitter. Criteria: Invitae Variant Classification Sherloc (09022015). Collection method: clinical testing. Allele origin: germline.